The following is an entry in ClinVar:

ClinVar aggregate classification (germline): Uncertain significance (1 of 4 stars; one submission).

Conditions:
Cardiovascular phenotype. Identifiers: MedGen CN230736.

Submission:

Ambry Genetics
Classification: Uncertain significance for Cardiovascular phenotype. Last evaluated: 2024-06-25. Review status: criteria provided, single submitter. Criteria: Ambry Variant Classification Scheme 2023. Collection method: clinical testing. Allele origin: germline.
Comment: The p.L553I variant (also known as c.1657C>A), located in coding exon 14 of the DMD gene, results from a C to A substitution at nucleotide position 1657. The leucine at codon 553 is replaced by isoleucine, an amino acid with highly similar properties. This amino acid position is well conserved in available vertebrate species. In addition, the in silico prediction for this alteration is inconclusive. Based on the available evidence, the clinical significance of this variant remains unclear.

NM_004006.3(DMD):c.1657C>A (p.Leu553Ile)

Gene: DMD (dystrophin; minus strand). Cytogenetic location: Xp21.1.
Variant type: single nucleotide variant.
Coding change: c.1657C>A on transcript NM_004006.3 (MANE Select); coding-DNA position 1657, C replaced by A.
Protein change: p.Leu553Ile; replaces leucine 553 with isoleucine.
Molecular consequence: missense variant.
Genome position (GRCh38, 1-based): chrX:32,573,792, G>T on the plus strand (C>A on the coding strand, the complement: DMD is on the minus strand). VCF-style: chrX-32573792-G-T. GRCh37 (hg19) VCF-style: chrX-32591909-G-T.
Other names: c.1633C>A, p.Leu545Ile (NM_000109.4); c.1645C>A, p.Leu549Ile (NM_004009.3); c.1288C>A, p.Leu430Ile (NM_004010.3); short protein forms L545I, L549I, L430I, L553I.
Identifiers: ClinVar variation 3502575 (VCV003502575.1).